The following is an entry in ClinVar:

NM_001267550.2(TTN):c.101999C>T (p.Ser34000Leu)

Genes: TTN-AS1 (TTN antisense RNA 1; plus strand), TTN (titin; minus strand). Cytogenetic location: 2q31.2.
Variant type: single nucleotide variant.
Coding change: c.101999C>T on transcript NM_001267550.2 (MANE Select); coding-DNA position 101999, C replaced by T.
Protein change: p.Ser34000Leu; replaces serine 34000 with leucine.
Molecular consequence: missense variant.
Genome position (GRCh38, 1-based): chr2:178,534,616, G>A on the plus strand (C>T on the coding strand, the complement: TTN is on the minus strand). VCF-style: chr2-178534616-G-A. GRCh37 (hg19) VCF-style: chr2-179399343-G-A.
Other names: c.97076C>T, p.Ser32359Leu (NM_001256850.1); c.74804C>T, p.Ser24935Leu (NM_003319.4); c.94295C>T, p.Ser31432Leu (NM_133378.4); c.75179C>T, p.Ser25060Leu (NM_133432.3); c.75380C>T, p.Ser25127Leu (NM_133437.4); short protein forms S25060L, S31432L, S25127L, S32359L, S34000L, S24935L.
Identifiers: ClinVar variation 4793444 (VCV004793444.1).

ClinVar aggregate classification (germline): Uncertain significance (1 of 4 stars; one submission).

Conditions:
Autosomal recessive limb-girdle muscular dystrophy type 2J (LGMDR10). Also called: MUSCULAR DYSTROPHY, LIMB-GIRDLE, AUTOSOMAL RECESSIVE 10; Limb-girdle muscular dystrophy, type 2J. Identifiers: Orphanet 140922, MedGen C1837342, MONDO:0012127, OMIM 608807.
Dilated cardiomyopathy 1G (CMD1G). Identifiers: Orphanet 154, MedGen C1858763, MONDO:0011400, OMIM 604145.

Submission:

Labcorp Genetics (formerly Invitae), Labcorp
Classification: Uncertain significance for Dilated cardiomyopathy 1G; Autosomal recessive limb-girdle muscular dystrophy type 2J. Last evaluated: 2025-04-13. Review status: criteria provided, single submitter. Criteria: Invitae Variant Classification Sherloc (09022015). Collection method: clinical testing. Allele origin: germline.
Comment: This sequence change replaces serine, which is neutral and polar, with leucine, which is neutral and non-polar, at codon 34000 of the TTN protein (p.Ser34000Leu). This variant is not present in population databases (gnomAD no frequency). This variant has not been reported in the literature in individuals affected with TTN-related conditions. Experimental studies and prediction algorithms are not available or were not evaluated, and the functional significance of this variant is currently unknown. This variant is located in the M band of TTN (PMID: 25589632). Non-truncating variants in this region may be relevant for neuromuscular disorders, but have not been definitively shown to cause cardiomyopathy (PMID: 23975875). In summary, the available evidence is currently insufficient to determine the role of this variant in disease. Therefore, it has been classified as a Variant of Uncertain Significance.

Literature cited by the submitters: PubMed 25589632; PubMed 23975875.